The following is an entry in ClinVar:

ClinVar aggregate classification (germline): Conflicting classifications of pathogenicity. Review status: criteria provided, conflicting classifications (1 of 4 stars). 3 submissions from 3 submitters: Uncertain significance (2); Likely benign (1). Last evaluated 2025-11-01.

Conditions:
Interstitial lung disease 2 (ILD2). Also called: FIBROCYSTIC PULMONARY DYSPLASIA; FIBROSING ALVEOLITIS, CRYPTOGENIC; Familial idiopathic pulmonary fibrosis. Identifiers: Orphanet 2032, Orphanet 79126, MedGen C5561926, MONDO:0800497, OMIM 178500, MONDO:0800029.

Allele frequency attached by ClinVar (database versions not stated): TOPMed 0.00002; gnomAD 0.00003; ExAC 0.00004.
gnomAD v4.1: 123 of 1,612,782 alleles (0.0076%); highest among the groups gnomAD compares: Non-Finnish European, 0.0097%; no homozygotes.

Submissions (3):

CeGaT Center for Human Genetics Tuebingen
Classification: Likely benign. Last evaluated: 2025-11-01. Review status: criteria provided, single submitter. Criteria: CeGaT Center For Human Genetics Tuebingen Variant Classification Criteria Version 2. Collection method: clinical testing. Allele origin: germline. Affected: yes. Observed: 1 variant allele.
Comment: NKX2-1: BS2

Labcorp Genetics (formerly Invitae), Labcorp
Classification: Uncertain significance. Last evaluated: 2025-08-17. Review status: criteria provided, single submitter. Criteria: Invitae Variant Classification Sherloc (09022015). Collection method: clinical testing. Allele origin: germline.
Comment: This sequence change replaces glycine, which is neutral and non-polar, with arginine, which is basic and polar, at codon 23 of the NKX2-1 protein (p.Gly23Arg). This variant is present in population databases (rs773410433, gnomAD 0.01%). This missense change has been observed in individual(s) with clinical features of NKX2-1-related conditions (PMID: 33270637). ClinVar contains an entry for this variant (Variation ID: 1705916). An algorithm developed to predict the effect of missense changes on protein structure and function (PolyPhen-2) suggests that this variant is likely to be disruptive. In summary, the available evidence is currently insufficient to determine the role of this variant in disease. Therefore, it has been classified as a Variant of Uncertain Significance.

Alder lab, University of Pittsburgh
Classification: Uncertain significance for Interstitial lung disease 2. Last evaluated: 2022-08-01. Review status: criteria provided, single submitter. Criteria: ACMG Guidelines, 2015. Collection method: research. Allele origin: germline. Affected: yes.

Literature cited by the submitters: PubMed 33270637 (cited by Labcorp Genetics (formerly Invitae), Labcorp).

NM_001079668.3(NKX2-1):c.67G>C (p.Gly23Arg)

Genes: NKX2-1-AS1 (NKX2-1 antisense RNA 1; plus strand), NKX2-1 (NK2 homeobox 1; minus strand). Cytogenetic location: 14q13.3.
Variant type: single nucleotide variant.
Coding change: c.67G>C on transcript NM_001079668.3 (MANE Select); coding-DNA position 67, G replaced by C.
Protein change: p.Gly23Arg; replaces glycine 23 with arginine.
Molecular consequence: missense variant.
Genome position (GRCh38, 1-based): chr14:36,520,063, C>G on the plus strand (G>C on the coding strand, the complement: NKX2-1 is on the minus strand). VCF-style: chr14-36520063-C-G. GRCh37 (hg19) VCF-style: chr14-36989268-C-G.
Other names: short protein forms G23R.
Identifiers: ClinVar variation 1705916 (VCV001705916.9), dbSNP rs773410433, ClinGen allele CA7158616.